The following is an entry in ClinVar:

NM_003907.3(EIF2B5):c.1360C>T (p.Pro454Ser)

Gene: EIF2B5 (eukaryotic translation initiation factor 2B subunit epsilon; plus strand). Cytogenetic location: 3q27.1.
Variant type: single nucleotide variant.
Coding change: c.1360C>T on transcript NM_003907.3 (MANE Select); coding-DNA position 1360, C replaced by T.
Protein change: p.Pro454Ser; replaces proline 454 with serine.
Molecular consequence: missense variant.
Genome position (GRCh38, 1-based): chr3:184,142,294, C>T. VCF-style: chr3-184142294-C-T. GRCh37 (hg19) VCF-style: chr3-183860082-C-T.
Other names: short protein forms P454S.
Identifiers: ClinVar variation 2581432 (VCV002581432.31), dbSNP rs766921114, ClinGen allele CA2726669.

ClinVar aggregate classification (germline): Conflicting classifications of pathogenicity. Review status: criteria provided, conflicting classifications (1 of 4 stars). 5 submissions from 5 submitters: Pathogenic (1); Likely pathogenic (3); Uncertain significance (1). Last evaluated 2025-12-31.

Conditions:
Leukoencephalopathy with vanishing white matter 5 (VWM5). Also called: EIF2B5-Related Childhood Ataxia with Central Nervous System Hypomyelination/Vanishing White Matter; Leukoencephalopathy with vanishing white matter 5, with or without ovarian failure. Identifiers: MedGen C5779973, MONDO:0957873, OMIM 620315.
Vanishing white matter disease. Also called: CACH syndrome; Childhood ataxia with diffuse central nervous system hypomyelination; Leukoencephalopathy with vanishing white matter; CACH/VWM syndrome; Cree leukoencehalopathy. Identifiers: Orphanet 135, Orphanet 99853, MedGen C1858991, MONDO:0800448.

Allele frequency attached by ClinVar (database versions not stated): TOPMed below 0.00001; ExAC 0.00001; gnomAD exomes 0.00001.

Submissions (5):

Labcorp Genetics (formerly Invitae), Labcorp
Classification: Likely pathogenic. Last evaluated: 2025-12-31. Review status: criteria provided, single submitter. Criteria: Invitae Variant Classification Sherloc (09022015). Collection method: clinical testing. Allele origin: germline.
Comment: This sequence change replaces proline, which is neutral and non-polar, with serine, which is neutral and polar, at codon 454 of the EIF2B5 protein (p.Pro454Ser). This variant is present in population databases (rs766921114, gnomAD 0.002%). This missense change has been observed in individuals with clinical features of leukoencephalopathy with vanishing white matter (PMID: 20975056, 22737209, 34745209, 34751098, 37171481). ClinVar contains an entry for this variant (Variation ID: 2581432). Invitae Evidence Modeling of protein sequence and biophysical properties (such as structural, functional, and spatial information, amino acid conservation, physicochemical variation, residue mobility, and thermodynamic stability) indicates that this missense variant is not expected to disrupt EIF2B5 protein function with a negative predictive value of 80%. In summary, the currently available evidence indicates that the variant is pathogenic, but additional data are needed to prove that conclusively. Therefore, this variant has been classified as Likely Pathogenic.

Natera, Inc.
Classification: Likely pathogenic for Leukoencephalopathy with vanishing white matter. Last evaluated: 2025-12-03. Review status: criteria provided, single submitter. Criteria: Natera Variant Classification Schema (03/2026). Collection method: clinical testing. Allele origin: germline.
Comment: The c.1360C>T variant in EIF2B5 is a missense variant predicted to cause substitution of proline to serine at amino acid 454. This variant is rare in the general population with a frequency below the threshold expected for the associated phenotype(s). This variant has been observed in one or more individuals affected with the associated recessive disease, as either homozygous or compound heterozygous with a second variant (PMID: 22737209, 33432707, 37171481). Computational prediction algorithms indicate this variant is likely to affect gene or protein function. Given the available evidence, this variant is classified as Likely Pathogenic.

Women's Health and Genetics/Laboratory Corporation of America, LabCorp
Classification: Pathogenic for Vanishing white matter disease. Last evaluated: 2025-01-03. Review status: criteria provided, single submitter. Criteria: LabCorp Variant Classification Summary - May 2015. Collection method: clinical testing. Allele origin: germline.
Comment: Variant summary: EIF2B5 c.1360C>T (p.Pro454Ser) results in a non-conservative amino acid change in the encoded protein sequence. Three of five in-silico tools predict a damaging effect of the variant on protein function. The variant allele was found at a frequency of 8e-06 in 251282 control chromosomes. c.1360C>T has been reported in the literature in multiple homozygous and compound heterozygous individuals affected with Leukoencephalopathy With Vanishing White Matter (Pronk_2006, Huyghe_2012, Slynko_2021, Deng_2021, Trevisan_2021, Benzoni_2023). These data indicate that the variant is very likely to be associated with disease. To our knowledge, no experimental evidence demonstrating an impact on protein function has been reported. The following publications have been ascertained in the context of this evaluation (PMID: 37171481, 34745209, 22737209, 18263758, 16807905, 35389136, 25843247, 33432707, 34751098, 32293553, 20975056). ClinVar contains an entry for this variant (Variation ID: 2581432). Based on the evidence outlined above, the variant was classified as pathogenic.

Fulgent Genetics
Classification: Likely pathogenic for Leukoencephalopathy with vanishing white matter 5. Last evaluated: 2024-03-21. Review status: criteria provided, single submitter. Criteria: ACMG Guidelines, 2015. Collection method: clinical testing. Allele origin: germline.

CeGaT Center for Human Genetics Tuebingen
Classification: Uncertain significance. Last evaluated: 2023-09-01. Review status: criteria provided, single submitter. Criteria: CeGaT Center For Human Genetics Tuebingen Variant Classification Criteria Version 2. Collection method: clinical testing. Allele origin: germline. Affected: yes. Observed: 1 variant allele.
Comment: EIF2B5: PM2, PM3

Literature cited by the submitters: PubMed 20975056 (cited by Labcorp Genetics (formerly Invitae), Labcorp and Women's Health and Genetics/Laboratory Corporation of America, LabCorp); PubMed 22737209 (cited by 3 submitters); PubMed 34745209 (cited by Labcorp Genetics (formerly Invitae), Labcorp and Women's Health and Genetics/Laboratory Corporation of America, LabCorp); PubMed 34751098 (cited by Labcorp Genetics (formerly Invitae), Labcorp and Women's Health and Genetics/Laboratory Corporation of America, LabCorp); PubMed 37171481 (cited by 3 submitters); PubMed 33432707 (cited by Natera, Inc. and Women's Health and Genetics/Laboratory Corporation of America, LabCorp); PubMed 25843247 (cited by Women's Health and Genetics/Laboratory Corporation of America, LabCorp); PubMed 32293553 (cited by Women's Health and Genetics/Laboratory Corporation of America, LabCorp); PubMed 18263758 (cited by Women's Health and Genetics/Laboratory Corporation of America, LabCorp); PubMed 16807905 (cited by Women's Health and Genetics/Laboratory Corporation of America, LabCorp); PubMed 35389136 (cited by Women's Health and Genetics/Laboratory Corporation of America, LabCorp).